The following is an entry in ClinVar:

NM_001330311.2(DVL1):c.2034G>T (p.Gln678His)

Gene: DVL1 (dishevelled segment polarity protein 1; minus strand). Cytogenetic location: 1p36.33.
Variant type: single nucleotide variant.
Coding change: c.2034G>T on transcript NM_001330311.2 (MANE Select); coding-DNA position 2034, G replaced by T.
Protein change: p.Gln678His; replaces glutamine 678 with histidine.
Molecular consequence: missense variant.
Genome position (GRCh38, 1-based): chr1:1,336,196, C>A on the plus strand (G>T on the coding strand, the complement: DVL1 is on the minus strand). VCF-style: chr1-1336196-C-A. GRCh37 (hg19) VCF-style: chr1-1271576-C-A.
Other names: c.1959G>T, p.Gln653His (NM_004421.3); short protein forms Q653H, Q678H.
Identifiers: ClinVar variation 2965735 (VCV002965735.3), dbSNP rs764309779, ClinGen allele CA519739.

ClinVar aggregate classification (germline): Uncertain significance (1 of 4 stars; one submission).

gnomAD v4.1: 4 of 1,566,066 alleles (0.00026%); highest among the groups gnomAD compares: Admixed American, 0.0036%; no homozygotes.

Submission:

Labcorp Genetics (formerly Invitae), Labcorp
Classification: Uncertain significance. Last evaluated: 2025-07-22. Review status: criteria provided, single submitter. Criteria: Invitae Variant Classification Sherloc (09022015). Collection method: clinical testing. Allele origin: germline.
Comment: This sequence change replaces glutamine, which is neutral and polar, with histidine, which is basic and polar, at codon 653 of the DVL1 protein (p.Gln653His). The frequency data for this variant in the population databases is considered unreliable, as metrics indicate poor data quality at this position in the gnomAD database. This variant has not been reported in the literature in individuals affected with DVL1-related conditions. ClinVar contains an entry for this variant (Variation ID: 2965735). Invitae Evidence Modeling of protein sequence and biophysical properties (such as structural, functional, and spatial information, amino acid conservation, physicochemical variation, residue mobility, and thermodynamic stability) indicates that this missense variant is not expected to disrupt DVL1 protein function with a negative predictive value of 80%. Algorithms developed to predict the effect of sequence changes on RNA splicing suggest that this variant may create or strengthen a splice site. In summary, the available evidence is currently insufficient to determine the role of this variant in disease. Therefore, it has been classified as a Variant of Uncertain Significance.